The following is an entry in ClinVar:

NM_000474.4(TWIST1):c.443C>T (p.Thr148Ile)

Genes: TWIST1 (twist family bHLH transcription factor 1; minus strand), LOC129998021 (ATAC-STARR-seq lymphoblastoid active region 25682; plus strand). Cytogenetic location: 7p21.1.
Variant type: single nucleotide variant.
Coding change: c.443C>T on transcript NM_000474.4 (MANE Select); coding-DNA position 443, C replaced by T.
Protein change: p.Thr148Ile; replaces threonine 148 with isoleucine.
Molecular consequence: missense variant. On other transcripts: non-coding transcript variant (1).
Genome position (GRCh38, 1-based): chr7:19,116,879, G>A on the plus strand (C>T on the coding strand, the complement: TWIST1 is on the minus strand). VCF-style: chr7-19116879-G-A. GRCh37 (hg19) VCF-style: chr7-19156502-G-A.
Other names: short protein forms T148I.
Identifiers: ClinVar variation 942829 (VCV000942829.10), dbSNP rs1788580077, ClinGen allele CA367015423.

ClinVar aggregate classification (germline): Likely pathogenic (1 of 4 stars; one submission).

Conditions:
TWIST1-related craniosynostosis (CRS1). Also called: CRANIOSYNOSTOSIS 1. Identifiers: Orphanet 63440, MedGen C4551902, MONDO:0007399, OMIM 123100. Inheritance: Heterogenous inheritance pattern.
Saethre-Chotzen syndrome (SCS). Also called: ACROCEPHALY, SKULL ASYMMETRY, AND MILD SYNDACTYLY; ACS III; CHOTZEN SYNDROME. Identifiers: Orphanet 794, MedGen C0175699, MONDO:0007042, OMIM 101400.

Allele frequency attached by ClinVar (database versions not stated): gnomAD exomes below 0.00001.

Submission:

Labcorp Genetics (formerly Invitae), Labcorp
Classification: Likely pathogenic for TWIST1-related craniosynostosis; Saethre-Chotzen syndrome. Last evaluated: 2019-07-25. Review status: criteria provided, single submitter. Criteria: Invitae Variant Classification Sherloc (09022015). Collection method: clinical testing. Allele origin: germline.
Comment: This sequence change replaces threonine with isoleucine at codon 148 of the TWIST1 protein (p.Thr148Ile). The threonine residue is highly conserved and there is a moderate physicochemical difference between threonine and isoleucine. This variant is not present in population databases (ExAC no frequency). This variant has been observed in individuals affected with clinical features of Saethre-Chotzen syndrome (PMID: 16251895, Invitae). Algorithms developed to predict the effect of missense changes on protein structure and function (SIFT, PolyPhen-2, Align-GVGD) all suggest that this variant is likely to be disruptive, but these predictions have not been confirmed by published functional studies and their clinical significance is uncertain. This variant disrupts the p.Thr148 amino acid residue in TWIST1. Other variant(s) that disrupt this residue have been observed in individuals with TWIST1-related conditions (PMID: 9585583, 10649491, 16251895), which suggests that this may be a clinically significant amino acid residue. In summary, the currently available evidence indicates that the variant is pathogenic, but additional data are needed to prove that conclusively. Therefore, this variant has been classified as Likely Pathogenic.

Literature cited by the submitters: PubMed 16251895; PubMed 9585583; PubMed 10649491.